The following is an entry in ClinVar:

NM_024721.5(ZFHX4):c.8535G>A (p.Leu2845=)

Gene: ZFHX4 (zinc finger homeobox 4; plus strand). Cytogenetic location: 8q21.13.
Variant type: single nucleotide variant.
Coding change: c.8535G>A on transcript NM_024721.5 (MANE Select); coding-DNA position 8535, G replaced by A.
Protein change: p.Leu2845=; no amino-acid change (leucine 2845 retained).
Molecular consequence: synonymous variant.
Genome position (GRCh38, 1-based): chr8:76,855,456, G>A. VCF-style: chr8-76855456-G-A. GRCh37 (hg19) VCF-style: chr8-77767692-G-A.
Other names: c.8457G>A, p.Leu2819= (NM_001410934.1).
Identifiers: ClinVar variation 5040252 (VCV005040252.1).
Genomic context (GRCh38, chr8:76,855,456, plus strand): 5'-CACCACAGGAAGTTCCGGAGATGTGAAACCGGCTTTGTCTCCCAAAGAGCCAAAAACTCT[G>A]GATACTCTGCCAAAACCTGCAACCACACCTACCACGGAGGTCTGCGATGACAAATTTCTC-3'
Protein context (NP_078997.4, residues 2835-2855): PALSPKEPKT[Leu2845=]DTLPKPATTP

ClinVar aggregate classification (germline): Likely benign (1 of 4 stars; one submission).

Submission:

CeGaT Center for Human Genetics Tuebingen
Classification: Likely benign. Last evaluated: 2026-07-01. Review status: criteria provided, single submitter. Criteria: CeGaT Center For Human Genetics Tuebingen Variant Classification Criteria Version 2. Collection method: clinical testing. Allele origin: germline. Affected: yes. Observed: 1 variant allele.
Comment: ZFHX4: PM2:Supporting, BP4, BP7